The following is an entry in ClinVar:

ClinVar aggregate classification (germline): Uncertain significance (1 of 4 stars; one submission).

gnomAD v4.1: 10 of 1,613,132 alleles (0.00062%); highest among the groups gnomAD compares: African/African-American, 0.013%; no homozygotes.

Submission:

Labcorp Genetics (formerly Invitae), Labcorp
Classification: Uncertain significance. Last evaluated: 2025-07-20. Review status: criteria provided, single submitter. Criteria: Invitae Variant Classification Sherloc (09022015). Collection method: clinical testing. Allele origin: germline.
Comment: This sequence change replaces proline, which is neutral and non-polar, with glutamine, which is neutral and polar, at codon 685 of the MYH9 protein (p.Pro685Gln). This variant is present in population databases (rs779853972, gnomAD 0.01%). This variant has not been reported in the literature in individuals affected with MYH9-related conditions. Invitae Evidence Modeling of protein sequence and biophysical properties (such as structural, functional, and spatial information, amino acid conservation, physicochemical variation, residue mobility, and thermodynamic stability) indicates that this missense variant is not expected to disrupt MYH9 protein function with a negative predictive value of 95%. In summary, the available evidence is currently insufficient to determine the role of this variant in disease. Therefore, it has been classified as a Variant of Uncertain Significance.

NM_002473.6(MYH9):c.2054C>A (p.Pro685Gln)

Gene: MYH9 (myosin heavy chain 9; minus strand). Cytogenetic location: 22q12.3.
Variant type: single nucleotide variant.
Coding change: c.2054C>A on transcript NM_002473.6 (MANE Select); coding-DNA position 2054, C replaced by A.
Protein change: p.Pro685Gln; replaces proline 685 with glutamine.
Molecular consequence: missense variant.
Genome position (GRCh38, 1-based): chr22:36,306,035, G>T on the plus strand (C>A on the coding strand, the complement: MYH9 is on the minus strand). VCF-style: chr22-36306035-G-T. GRCh37 (hg19) VCF-style: chr22-36702081-G-T.
Other names: short protein forms P685Q.
Identifiers: ClinVar variation 4693150 (VCV004693150.1).
Genomic context (GRCh38, chr22:36,306,035, plus strand): 5'-CGGCAGATACGGATGCCCTCGAGAACACCGTTGCAGCGCAGCTGGTCCAGCACGAGATGC[G>T]GGTCCAGCTTGCCGGCCTGGAGAAGAAAACACATGCATGCGGTCTCACTTCCGTGCCTAG-3'
Protein context (NP_002464.1, residues 675-695): NHEKKAGKLD[Pro685Gln]HLVLDQLRCN